The following is an entry in ClinVar:

NM_001031710.3(KLHL7):c.16G>A (p.Val6Met)

Gene: KLHL7 (kelch like family member 7; plus strand). Cytogenetic location: 7p15.3.
Variant type: single nucleotide variant.
Coding change: c.16G>A on transcript NM_001031710.3 (MANE Select); coding-DNA position 16, G replaced by A.
Protein change: p.Val6Met; replaces valine 6 with methionine.
Molecular consequence: missense variant. On other transcripts: non-coding transcript variant (2).
Genome position (GRCh38, 1-based): chr7:23,106,042, G>A. VCF-style: chr7-23106042-G-A. GRCh37 (hg19) VCF-style: chr7-23145661-G-A.
Other names: c.16G>A, p.Val6Met (NM_001172428.2); short protein forms V6M.
Identifiers: ClinVar variation 1005721 (VCV001005721.8), dbSNP rs996132702, ClinGen allele CA155234352.

ClinVar aggregate classification (germline): Uncertain significance (1 of 4 stars; one submission).

Allele frequency attached by ClinVar (database versions not stated): gnomAD exomes 0.00001.
gnomAD v4.1: 5 of 1,610,270 alleles (0.00031%); highest among the groups gnomAD compares: Non-Finnish European, 0.00042%; no homozygotes.

Submission:

Labcorp Genetics (formerly Invitae), Labcorp
Classification: Uncertain significance. Last evaluated: 2022-11-01. Review status: criteria provided, single submitter. Criteria: Invitae Variant Classification Sherloc (09022015). Collection method: clinical testing. Allele origin: germline.
Comment: In summary, the available evidence is currently insufficient to determine the role of this variant in disease. Therefore, it has been classified as a Variant of Uncertain Significance. Algorithms developed to predict the effect of missense changes on protein structure and function are either unavailable or do not agree on the potential impact of this missense change (SIFT: "Tolerated"; PolyPhen-2: "Possibly Damaging"; Align-GVGD: "Class C0"). ClinVar contains an entry for this variant (Variation ID: 1005721). This variant has not been reported in the literature in individuals affected with KLHL7-related conditions. The frequency data for this variant in the population databases is considered unreliable, as metrics indicate poor data quality at this position in the gnomAD database. This sequence change replaces valine, which is neutral and non-polar, with methionine, which is neutral and non-polar, at codon 6 of the KLHL7 protein (p.Val6Met).